The following is an entry in ClinVar:

ClinVar aggregate classification (germline): Conflicting classifications of pathogenicity. Review status: criteria provided, conflicting classifications (1 of 4 stars). 2 submissions from 2 submitters: Uncertain significance (1); Likely benign (1). Last evaluated 2024-08-01.

Allele frequency attached by ClinVar (database versions not stated): gnomAD 0.00001; gnomAD exomes 0.00001; TOPMed 0.00001.
gnomAD v4.1: 10 of 1,550,800 alleles (0.00064%); highest among the groups gnomAD compares: Admixed American, 0.0038%; no homozygotes.

Submissions (2):

CeGaT Center for Human Genetics Tuebingen
Classification: Likely benign. Last evaluated: 2024-08-01. Review status: criteria provided, single submitter. Criteria: CeGaT Center For Human Genetics Tuebingen Variant Classification Criteria Version 2. Collection method: clinical testing. Allele origin: germline. Affected: yes. Observed: 1 variant allele.
Comment: NEFH: PP2, PP3, BS2

Labcorp Genetics (formerly Invitae), Labcorp
Classification: Uncertain significance. Last evaluated: 2023-08-22. Review status: criteria provided, single submitter. Criteria: Invitae Variant Classification Sherloc (09022015). Collection method: clinical testing. Allele origin: germline.
Comment: This variant has not been reported in the literature in individuals affected with NEFH-related conditions. In summary, the available evidence is currently insufficient to determine the role of this variant in disease. Therefore, it has been classified as a Variant of Uncertain Significance. Advanced modeling of protein sequence and biophysical properties (such as structural, functional, and spatial information, amino acid conservation, physicochemical variation, residue mobility, and thermodynamic stability) performed at Invitae indicates that this missense variant is not expected to disrupt NEFH protein function. ClinVar contains an entry for this variant (Variation ID: 1377802). The frequency data for this variant in the population databases is considered unreliable, as metrics indicate poor data quality at this position in the gnomAD database. This sequence change replaces arginine, which is basic and polar, with glutamine, which is neutral and polar, at codon 133 of the NEFH protein (p.Arg133Gln).

NM_021076.4(NEFH):c.398G>A (p.Arg133Gln)

Gene: NEFH (neurofilament heavy chain; plus strand). Cytogenetic location: 22q12.2.
Variant type: single nucleotide variant.
Coding change: c.398G>A on transcript NM_021076.4 (MANE Select); coding-DNA position 398, G replaced by A.
Protein change: p.Arg133Gln; replaces arginine 133 with glutamine.
Molecular consequence: missense variant.
Genome position (GRCh38, 1-based): chr22:29,480,660, G>A. VCF-style: chr22-29480660-G-A. GRCh37 (hg19) VCF-style: chr22-29876649-G-A.
Other names: short protein forms R133Q.
Identifiers: ClinVar variation 1377802 (VCV001377802.22), dbSNP rs997535105, ClinGen allele CA323082941.
Genomic context (GRCh38, chr22:29,480,660, plus strand): 5'-ACAAGGTGCGGCAGCTGGAGGCGCACAACCGCAGCCTGGAGGGCGAGGCTGCGGCGCTGC[G>A]GCAGCAGCAGGCGGGCCGCTCCGCTATGGGCGAGCTGTACGAGCGCGAGGTCCGCGAGAT-3'
Protein context (NP_066554.2, residues 123-143): RSLEGEAAAL[Arg133Gln]QQQAGRSAMG